The following is an entry in ClinVar:

NM_000059.4(BRCA2):c.6084A>C (p.Glu2028Asp)

Gene: BRCA2 (BRCA2 DNA repair associated; plus strand). Cytogenetic location: 13q13.1.
Variant type: single nucleotide variant.
Coding change: c.6084A>C on transcript NM_000059.4 (MANE Select); coding-DNA position 6084, A replaced by C.
Protein change: p.Glu2028Asp; replaces glutamic acid 2028 with aspartic acid.
Molecular consequence: missense variant.
Genome position (GRCh38, 1-based): chr13:32,340,439, A>C. VCF-style: chr13-32340439-A-C. GRCh37 (hg19) VCF-style: chr13-32914576-A-C.
Other names: short protein forms E2028D.
Identifiers: ClinVar variation 409523 (VCV000409523.16), dbSNP rs747773227, ClinGen allele CA16614188.

ClinVar aggregate classification (germline): Conflicting classifications of pathogenicity. Review status: criteria provided, conflicting classifications (1 of 4 stars). 4 submissions from 4 submitters: Uncertain significance (3); Likely benign (1). Last evaluated 2024-06-27.

Conditions:
Hereditary breast ovarian cancer syndrome. Also called: Hereditary breast and ovarian cancer; Hereditary breast and/or ovarian cancer syndrome; BRCA1- and BRCA2-Associated Hereditary Breast and Ovarian Cancer; Hereditary breast and ovarian cancer syndrome; Hereditary breast and ovarian cancer syndrome (HBOC); Breast and ovarian cancer. Identifiers: Orphanet 145, MedGen C0677776, MeSH D061325, MONDO:0003582. Disease mechanism: loss of function.
Hereditary cancer-predisposing syndrome. Also called: Tumor predisposition; Hereditary Cancer Syndrome; Hereditary neoplastic syndrome; Neoplastic Syndromes, Hereditary. Identifiers: Orphanet 140162, MedGen C0027672, MeSH D009386, MONDO:0015356.
BRCA2-related cancer predisposition. Identifiers: MedGen CN377758, MONDO:0700269.

gnomAD v4.1: 1 of 1,613,914 alleles (0.000062%); highest among the groups gnomAD compares: Non-Finnish European, 0.000085%; no homozygotes.

Submissions (4):

All of Us Research Program, National Institutes of Health
Classification: Uncertain significance for BRCA2-related cancer predisposition. Last evaluated: 2024-06-27. Review status: criteria provided, single submitter. Criteria: ACMG Guidelines, 2015. Collection method: clinical testing. Allele origin: germline. Inheritance: Autosomal dominant inheritance. Observed: 2 variant alleles, 2 heterozygotes.
Comment: This missense variant replaces glutamic acid with aspartic acid at codon 2028 of the BRCA2 protein. Computational prediction suggests that this variant may not impact protein structure and function (internally defined REVEL score threshold <= 0.5, PMID: 27666373). To our knowledge, functional studies have not been reported for this variant. This variant has not been reported in individuals affected with hereditary cancer in the literature. This variant has not been identified in the general population by the Genome Aggregation Database (gnomAD). The available evidence is insufficient to determine the role of this variant in disease conclusively. Therefore, this variant is classified as a Variant of Uncertain Significance.

This study involves interpretation of variants in research participants for the purpose of population health screening. Participant phenotype was not available at the time of variant classification. Additional details can be found in publication PMID: 35346344, PMCID: PMC8962531

University of Washington Department of Laboratory Medicine, University of Washington
Classification: Likely benign for Hereditary cancer-predisposing syndrome. Last evaluated: 2023-03-23. Review status: criteria provided, single submitter. Criteria: Dines et al. (Genet Med. 2020). Collection method: curation. Allele origin: germline.
Comment: Missense variant in a coldspot region where missense variants are very unlikely to be pathogenic (PMID:31911673).

BRCA2 exon 11 coldspot. Reclassification based on statistical prior probability.

Ambry Genetics
Classification: Uncertain significance for Hereditary cancer-predisposing syndrome. Last evaluated: 2021-01-12. Review status: criteria provided, single submitter. Criteria: Ambry Variant Classification Scheme 2023. Collection method: clinical testing. Allele origin: germline.
Comment: The p.E2028D variant (also known as c.6084A>C), located in coding exon 10 of the BRCA2 gene, results from an A to C substitution at nucleotide position 6084. The glutamic acid at codon 2028 is replaced by aspartic acid, an amino acid with highly similar properties. This amino acid position is not well conserved in available vertebrate species. In addition, this alteration is predicted to be tolerated by in silico analysis. Since supporting evidence is limited at this time, the clinical significance of this alteration remains unclear.

Labcorp Genetics (formerly Invitae), Labcorp
Classification: Uncertain significance for Hereditary breast ovarian cancer syndrome. Last evaluated: 2020-03-09. Review status: criteria provided, single submitter. Criteria: Invitae Variant Classification Sherloc (09022015). Collection method: clinical testing. Allele origin: germline.
Comment: In summary, the available evidence is currently insufficient to determine the role of this variant in disease. Therefore, it has been classified as a Variant of Uncertain Significance. Algorithms developed to predict the effect of missense changes on protein structure and function output the following: SIFT: "Tolerated"; PolyPhen-2: "Benign"; Align-GVGD: "Class C0". The aspartic acid amino acid residue is found in multiple mammalian species, suggesting that this missense change does not adversely affect protein function. These predictions have not been confirmed by published functional studies and their clinical significance is uncertain. This variant has not been reported in the literature in individuals with BRCA2-related conditions. ClinVar contains an entry for this variant (Variation ID: 409523). This variant is not present in population databases (ExAC no frequency). This sequence change replaces glutamic acid with aspartic acid at codon 2028 of the BRCA2 protein (p.Glu2028Asp). The glutamic acid residue is weakly conserved and there is a small physicochemical difference between glutamic acid and aspartic acid.